The following is an entry in ClinVar:

NM_000038.6(APC):c.4838C>T (p.Pro1613Leu)

Gene: APC (APC regulator of Wnt signaling pathway; plus strand). Cytogenetic location: 5q22.2.
Variant type: single nucleotide variant.
Coding change: c.4838C>T on transcript NM_000038.6 (MANE Select); coding-DNA position 4838, C replaced by T.
Protein change: p.Pro1613Leu; replaces proline 1613 with leucine.
Molecular consequence: missense variant.
Genome position (GRCh38, 1-based): chr5:112,840,432, C>T. VCF-style: chr5-112840432-C-T. GRCh37 (hg19) VCF-style: chr5-112176129-C-T.
Other names: c.4838C>T, p.Pro1613Leu (NM_001127510.3, NM_001354895.2); c.4784C>T, p.Pro1595Leu (NM_001127511.3); c.4892C>T, p.Pro1631Leu (NM_001354896.2); c.4868C>T, p.Pro1623Leu (NM_001354897.2); c.4763C>T, p.Pro1588Leu (NM_001354898.2); c.4754C>T, p.Pro1585Leu (NM_001354899.2); c.4715C>T, p.Pro1572Leu (NM_001354900.2); c.4661C>T, p.Pro1554Leu (NM_001354901.2); and 5 more; short protein forms P1330L, P1487L, P1572L, P1585L, P1595L, P1588L, P1613L, P1623L.
Identifiers: ClinVar variation 825219 (VCV000825219.5), dbSNP rs1561595794, ClinGen allele CA16031933.

ClinVar aggregate classification (germline): Uncertain significance. Review status: criteria provided, multiple submitters, no conflicts (2 of 4 stars). 2 submissions from 2 submitters: Uncertain significance (2). Last evaluated 2025-06-24.

Conditions:
Hereditary cancer-predisposing syndrome. Also called: Neoplastic Syndromes, Hereditary; Tumor predisposition; Hereditary neoplastic syndrome; Hereditary Cancer Syndrome. Identifiers: Orphanet 140162, MedGen C0027672, MeSH D009386, MONDO:0015356.
Familial adenomatous polyposis 1 (FAP1). Also called: POLYPOSIS, ADENOMATOUS INTESTINAL; FAMILIAL ADENOMATOUS POLYPOSIS 1, ATTENUATED. Identifiers: MedGen C2713442, MONDO:0021056, OMIM 175100. Disease mechanism: loss of function.

Allele frequency attached by ClinVar (database versions not stated): gnomAD exomes below 0.00001.
gnomAD v4.1: 1 of 1,614,214 alleles (0.000062%); no homozygotes.

Submissions (2):

Labcorp Genetics (formerly Invitae), Labcorp
Classification: Uncertain significance for Familial adenomatous polyposis 1. Last evaluated: 2025-06-24. Review status: criteria provided, single submitter. Criteria: Invitae Variant Classification Sherloc (09022015). Collection method: clinical testing. Allele origin: germline.
Comment: This sequence change replaces proline, which is neutral and non-polar, with leucine, which is neutral and non-polar, at codon 1613 of the APC protein (p.Pro1613Leu). This variant is not present in population databases (gnomAD no frequency). This variant has not been reported in the literature in individuals affected with APC-related conditions. ClinVar contains an entry for this variant (Variation ID: 825219). Invitae Evidence Modeling of protein sequence and biophysical properties (such as structural, functional, and spatial information, amino acid conservation, physicochemical variation, residue mobility, and thermodynamic stability) indicates that this missense variant is not expected to disrupt APC protein function with a negative predictive value of 95%. In summary, the available evidence is currently insufficient to determine the role of this variant in disease. Therefore, it has been classified as a Variant of Uncertain Significance.

Ambry Genetics
Classification: Uncertain significance for Hereditary cancer-predisposing syndrome. Last evaluated: 2018-11-07. Review status: criteria provided, single submitter. Criteria: Ambry Variant Classification Scheme 2023. Collection method: clinical testing. Allele origin: germline.
Comment: The p.P1613L variant (also known as c.4838C>T), located in coding exon 15 of the APC gene, results from a C to T substitution at nucleotide position 4838. The proline at codon 1613 is replaced by leucine, an amino acid with similar properties. This amino acid position is highly conserved in available vertebrate species. In addition, in silico predictors for this gene do not accurately predict pathogenicity. Since supporting evidence is limited at this time, the clinical significance of this alteration remains unclear.